The following is an entry in ClinVar:

ClinVar aggregate classification (germline): Uncertain significance (1 of 4 stars; one submission).

Submission:

Ambry Genetics
Classification: Uncertain significance. Last evaluated: 2022-08-07. Review status: criteria provided, single submitter. Criteria: Ambry Variant Classification Scheme 2023. Collection method: clinical testing. Allele origin: germline.
Comment: The p.C997S variant (also known as c.2990G>C), located in coding exon 24 of the BUB1 gene, results from a G to C substitution at nucleotide position 2990. The cysteine at codon 997 is replaced by serine, an amino acid with dissimilar properties. This amino acid position is conserved. In addition, the in silico prediction for this alteration is inconclusive. Since supporting evidence is limited at this time, the clinical significance of this alteration remains unclear.

NM_004336.5(BUB1):c.2990G>C (p.Cys997Ser)

Gene: BUB1 (BUB1 mitotic checkpoint serine/threonine kinase; minus strand). Cytogenetic location: 2q13.
Variant type: single nucleotide variant.
Coding change: c.2990G>C on transcript NM_004336.5 (MANE Select); coding-DNA position 2990, G replaced by C.
Protein change: p.Cys997Ser; replaces cysteine 997 with serine.
Molecular consequence: missense variant.
Genome position (GRCh38, 1-based): chr2:110,639,814, C>G on the plus strand (G>C on the coding strand, the complement: BUB1 is on the minus strand). VCF-style: chr2-110639814-C-G. GRCh37 (hg19) VCF-style: chr2-111397391-C-G.
Other names: c.2930G>C, p.Cys977Ser (NM_001278616.2); c.2819G>C, p.Cys940Ser (NM_001278617.2); short protein forms C977S, C997S, C940S.
Identifiers: ClinVar variation 1798521 (VCV001798521.2), dbSNP rs2467967192, ClinGen allele CA348088828.